The following is an entry in ClinVar:

NM_198994.3(TGM6):c.1420C>T (p.Arg474Cys)

Gene: TGM6 (transglutaminase 6; plus strand). Cytogenetic location: 20p13.
Variant type: single nucleotide variant.
Coding change: c.1420C>T on transcript NM_198994.3 (MANE Select); coding-DNA position 1420, C replaced by T.
Protein change: p.Arg474Cys; replaces arginine 474 with cysteine.
Molecular consequence: missense variant.
Genome position (GRCh38, 1-based): chr20:2,417,315, C>T. VCF-style: chr20-2417315-C-T. GRCh37 (hg19) VCF-style: chr20-2397961-C-T.
Other names: c.1420C>T, p.Arg474Cys (NM_001254734.2); short protein forms R474C.
Identifiers: ClinVar variation 2524374 (VCV002524374.5), dbSNP rs751732632, ClinGen allele CA9732096.

ClinVar aggregate classification (germline): Uncertain significance. Review status: criteria provided, multiple submitters, no conflicts (2 of 4 stars). 2 submissions from 2 submitters: Uncertain significance (2). Last evaluated 2023-03-27.

Conditions:
Inborn genetic diseases. Identifiers: MedGen C0950123, MeSH D030342.

Allele frequency attached by ClinVar (database versions not stated): gnomAD 0.00001; ExAC 0.00003; TOPMed 0.00003.
gnomAD v4.1: 8 of 1,613,458 alleles (0.0005%); highest among the groups gnomAD compares: African/African-American, 0.004%; no homozygotes.

Submissions (2):

Ambry Genetics
Classification: Uncertain significance for Inborn genetic diseases. Last evaluated: 2023-03-27. Review status: criteria provided, single submitter. Criteria: Ambry Variant Classification Scheme 2023. Collection method: clinical testing. Allele origin: germline.

Labcorp Genetics (formerly Invitae), Labcorp
Classification: Uncertain significance. Last evaluated: 2022-12-04. Review status: criteria provided, single submitter. Criteria: Invitae Variant Classification Sherloc (09022015). Collection method: clinical testing. Allele origin: germline.
Comment: This sequence change replaces arginine, which is basic and polar, with cysteine, which is neutral and slightly polar, at codon 474 of the TGM6 protein (p.Arg474Cys). The frequency data for this variant in the population databases is considered unreliable, as metrics indicate poor data quality at this position in the gnomAD database. In summary, the available evidence is currently insufficient to determine the role of this variant in disease. Therefore, it has been classified as a Variant of Uncertain Significance. Advanced modeling of protein sequence and biophysical properties (such as structural, functional, and spatial information, amino acid conservation, physicochemical variation, residue mobility, and thermodynamic stability) performed at Invitae indicates that this missense variant is not expected to disrupt TGM6 protein function. This variant has not been reported in the literature in individuals affected with TGM6-related conditions.